The following is an entry in ClinVar:

ClinVar aggregate classification (germline): Uncertain significance (1 of 4 stars; one submission).

Conditions:
Immunodeficiency 57. Also called: IMMUNODEFICIENCY 57 WITH AUTOINFLAMMATION. Identifiers: MedGen C4748212, MONDO:0020849, OMIM 618108.

Submission:

3billion
Classification: Uncertain significance for Immunodeficiency 57. Last evaluated: 2025-11-18. Review status: criteria provided, single submitter. Criteria: ACMG Guidelines, 2015. Collection method: clinical testing. Allele origin: germline. Affected: yes.
Comment: The variant is not observed in the gnomAD v4.1.0 dataset. Predicted Consequence/Location: Missense variant In silico tools predict the variant to alter splicing and produce an abnormal transcript [SpliceAI: 0.95 (>=0.2, moderate evidence for spliceogenicity)]. Therefore, this variant is classified as VUS according to the recommendation of ACMG/AMP guideline.

NM_001354930.2(RIPK1):c.671A>G (p.Asn224Ser)

Gene: RIPK1 (receptor interacting serine/threonine kinase 1; plus strand). Cytogenetic location: 6p25.2.
Variant type: single nucleotide variant.
Coding change: c.671A>G on transcript NM_001354930.2 (MANE Select); coding-DNA position 671, A replaced by G.
Protein change: p.Asn224Ser; replaces asparagine 224 with serine.
Molecular consequence: missense variant.
Genome position (GRCh38, 1-based): chr6:3,083,296, A>G. VCF-style: chr6-3083296-A-G. GRCh37 (hg19) VCF-style: chr6-3083530-A-G.
Other names: c.182A>G, p.Asn61Ser (NM_001317061.3, NM_001354932.2, NM_001354933.2 and 1 more transcripts); c.533A>G, p.Asn178Ser (NM_001354931.2); c.671A>G, p.Asn224Ser (NM_003804.6); short protein forms N178S, N224S, N61S.
Identifiers: ClinVar variation 4853930 (VCV004853930.1).
Genomic context (GRCh38, chr6:3,083,296, plus strand): 5'-AGCCCACAGAGAAGTCGGATGTGTACAGCTTTGCTGTAGTACTCTGGGCGATATTTGCAA[A>G]TAAGGAGCCATATGAAAGTAAGGCATTACTTACTTTCCACTGCCGTCCCCTCAGCATCTA-3'
Protein context (NP_001341859.1, residues 214-234): FAVVLWAIFA[Asn224Ser]KEPYENAICE